The following is an entry in ClinVar:

ClinVar aggregate classification (germline): Uncertain significance (1 of 4 stars; one submission).

gnomAD v4.1: 1 of 1,614,138 alleles (0.000062%); no homozygotes.

Submission:

Labcorp Genetics (formerly Invitae), Labcorp
Classification: Uncertain significance. Last evaluated: 2024-03-25. Review status: criteria provided, single submitter. Criteria: Invitae Variant Classification Sherloc (09022015). Collection method: clinical testing. Allele origin: germline.
Comment: This sequence change replaces isoleucine, which is neutral and non-polar, with valine, which is neutral and non-polar, at codon 428 of the MTMR14 protein (p.Ile428Val). This variant is not present in population databases (gnomAD no frequency). This variant has not been reported in the literature in individuals affected with MTMR14-related conditions. Advanced modeling of protein sequence and biophysical properties (such as structural, functional, and spatial information, amino acid conservation, physicochemical variation, residue mobility, and thermodynamic stability) performed at Invitae indicates that this missense variant is not expected to disrupt MTMR14 protein function with a negative predictive value of 80%. In summary, the available evidence is currently insufficient to determine the role of this variant in disease. Therefore, it has been classified as a Variant of Uncertain Significance.

NM_001077525.3(MTMR14):c.1282A>G (p.Ile428Val)

Gene: MTMR14 (myotubularin related protein 14; plus strand). Cytogenetic location: 3p25.3.
Variant type: single nucleotide variant.
Coding change: c.1282A>G on transcript NM_001077525.3 (MANE Select); coding-DNA position 1282, A replaced by G.
Protein change: p.Ile428Val; replaces isoleucine 428 with valine.
Molecular consequence: missense variant. On other transcripts: non-coding transcript variant (9).
Genome position (GRCh38, 1-based): chr3:9,688,742, A>G. VCF-style: chr3-9688742-A-G. GRCh37 (hg19) VCF-style: chr3-9730426-A-G.
Other names: c.1282A>G, p.Ile428Val (NM_001077526.3, NM_022485.5); c.1351A>G, p.Ile451Val (NM_001400518.1, NM_001400521.1); c.1279A>G, p.Ile427Val (NM_001400519.1, NM_001400522.1); c.1207A>G, p.Ile403Val (NM_001400520.1, NM_001400523.1, NM_001400528.1); c.1036A>G, p.Ile346Val (NM_001400524.1, NM_001400527.1, NM_001400530.1); c.1000A>G, p.Ile334Val (NM_001400525.1, NM_001400529.1, NM_001400532.1); c.1276A>G, p.Ile426Val (NM_001400526.1); c.1033A>G, p.Ile345Val (NM_001400531.1); and 5 more; short protein forms I141V, I189V, I214V, I309V, I321V, I334V, I345V, I346V.
Identifiers: ClinVar variation 3604183 (VCV003604183.2).